The following is an entry in ClinVar:

NM_025074.7(FRAS1):c.7280C>A (p.Pro2427Gln)

Gene: FRAS1 (Fraser extracellular matrix complex subunit 1; plus strand). Cytogenetic location: 4q21.21.
Variant type: single nucleotide variant.
Coding change: c.7280C>A on transcript NM_025074.7 (MANE Select); coding-DNA position 7280, C replaced by A.
Protein change: p.Pro2427Gln; replaces proline 2427 with glutamine.
Molecular consequence: missense variant.
Genome position (GRCh38, 1-based): chr4:78,470,000, C>A. VCF-style: chr4-78470000-C-A. GRCh37 (hg19) VCF-style: chr4-79391154-C-A.
Other names: short protein forms P2427Q.
Identifiers: ClinVar variation 2082812 (VCV002082812.6), dbSNP rs113732809, ClinGen allele CA2978043.

ClinVar aggregate classification (germline): Conflicting classifications of pathogenicity. Review status: criteria provided, conflicting classifications (1 of 4 stars). 4 submissions from 4 submitters: Uncertain significance (3); Likely benign (1). Last evaluated 2024-06-10.

Conditions:
Inborn genetic diseases. Identifiers: MedGen C0950123, MeSH D030342.
Fraser syndrome 1 (FRASRS1). Also called: CRYPTOPHTHALMOS WITH OTHER MALFORMATIONS. Identifiers: Orphanet 2052, MedGen C4551480, MONDO:0054737, OMIM 219000.

Allele frequency attached by ClinVar (database versions not stated): 1000 Genomes Project 0.00020; 1000 Genomes Project 30x 0.00031.
gnomAD v4.1: 30 of 1,613,554 alleles (0.0019%); highest among the groups gnomAD compares: African/African-American, 0.035%; no homozygotes.

Submissions (4):

Fulgent Genetics
Classification: Uncertain significance for Fraser syndrome 1. Last evaluated: 2024-06-10. Review status: criteria provided, single submitter. Criteria: ACMG Guidelines, 2015. Collection method: clinical testing. Allele origin: germline.

Labcorp Genetics (formerly Invitae), Labcorp
Classification: Uncertain significance. Last evaluated: 2022-02-25. Review status: criteria provided, single submitter. Criteria: Invitae Variant Classification Sherloc (09022015). Collection method: clinical testing. Allele origin: germline.
Comment: This sequence change replaces proline, which is neutral and non-polar, with glutamine, which is neutral and polar, at codon 2427 of the FRAS1 protein (p.Pro2427Gln). This variant is present in population databases (rs113732809, gnomAD 0.01%). This variant has not been reported in the literature in individuals affected with FRAS1-related conditions. Algorithms developed to predict the effect of missense changes on protein structure and function output the following: SIFT: "Tolerated"; PolyPhen-2: "Benign"; Align-GVGD: "Class C0". The glutamine amino acid residue is found in multiple mammalian species, which suggests that this missense change does not adversely affect protein function. In summary, the available evidence is currently insufficient to determine the role of this variant in disease. Therefore, it has been classified as a Variant of Uncertain Significance.

Ambry Genetics
Classification: Likely benign for Inborn genetic diseases. Last evaluated: 2021-12-03. Review status: criteria provided, single submitter. Criteria: Ambry Variant Classification Scheme 2023. Collection method: clinical testing. Allele origin: germline.

Revvity Omics, Revvity
Classification: Uncertain significance for Fraser syndrome 1. Last evaluated: 2021-02-03. Review status: criteria provided, single submitter. Criteria: ACMG Guidelines, 2015. Collection method: clinical testing. Allele origin: germline.